The following is an entry in ClinVar:

NM_001370658.1(BTD):c.364C>T (p.Pro122Ser)

Gene: BTD (biotinidase; plus strand). Cytogenetic location: 3p25.1.
Variant type: single nucleotide variant.
Coding change: c.364C>T on transcript NM_001370658.1 (MANE Select); coding-DNA position 364, C replaced by T.
Protein change: p.Pro122Ser; replaces proline 122 with serine.
Molecular consequence: missense variant.
Genome position (GRCh38, 1-based): chr3:15,642,022, C>T. VCF-style: chr3-15642022-C-T. GRCh37 (hg19) VCF-style: chr3-15683529-C-T.
Other names: c.364C>T, p.Pro122Ser (NM_001407371.1, NM_001407372.1, NM_001407373.1 and 36 more transcripts); c.424C>T, p.Pro142Ser (NM_000060.4); c.427C>T, p.Pro143Ser (NM_001407381.1); short protein forms P142S, P122S, P143S.
Identifiers: ClinVar variation 2833416 (VCV002833416.4), dbSNP rs397514357, ClinGen allele CA351605708.

ClinVar aggregate classification (germline): Conflicting classifications of pathogenicity. Review status: criteria provided, conflicting classifications (1 of 4 stars). 2 submissions from 2 submitters: Likely pathogenic (1); Uncertain significance (1). Last evaluated 2025-05-09.

Conditions:
Biotinidase deficiency. Also called: BTD deficiency; Late-onset biotin-responsive multiple carboxylase deficiency; Biotin deficiency. Identifiers: Orphanet 79241, MedGen C0220754, MONDO:0009665, OMIM 253260.

Submissions (2):

Women's Health and Genetics/Laboratory Corporation of America, LabCorp
Classification: Uncertain significance. Last evaluated: 2025-05-09. Review status: criteria provided, single submitter. Criteria: LabCorp Variant Classification Summary - May 2015. Collection method: clinical testing. Allele origin: germline.
Comment: Variant summary: BTD c.364C>T (p.Pro122Ser) results in a non-conservative amino acid change in the encoded protein sequence. Algorithms developed to predict the effect of missense changes on protein structure and function all suggest that this variant is likely to be disruptive. The variant was absent in 251340 control chromosomes. The available data on variant occurrences in the general population are insufficient to allow any conclusion about variant significance. To our knowledge, no occurrence of c.364C>T in individuals affected with Biotinidase Deficiency and no experimental evidence demonstrating its impact on protein function have been reported. ClinVar contains an entry for this variant (Variation ID: 2833416). Based on the evidence outlined above, the variant was classified as uncertain significance.

Labcorp Genetics (formerly Invitae), Labcorp
Classification: Likely pathogenic for Biotinidase deficiency. Last evaluated: 2023-02-01. Review status: criteria provided, single submitter. Criteria: Invitae Variant Classification Sherloc (09022015). Collection method: clinical testing. Allele origin: germline.
Comment: This variant disrupts the p.Pro142 amino acid residue in BTD. Other variant(s) that disrupt this residue have been determined to be pathogenic (PMID: 19757147, 26361991, 26589311). This suggests that this residue is clinically significant, and that variants that disrupt this residue are likely to be disease-causing. In summary, the currently available evidence indicates that the variant is pathogenic, but additional data are needed to prove that conclusively. Therefore, this variant has been classified as Likely Pathogenic. Advanced modeling of protein sequence and biophysical properties (such as structural, functional, and spatial information, amino acid conservation, physicochemical variation, residue mobility, and thermodynamic stability) performed at Invitae indicates that this missense variant is expected to disrupt BTD protein function. This sequence change replaces proline, which is neutral and non-polar, with serine, which is neutral and polar, at codon 142 of the BTD protein (p.Pro142Ser). This variant is not present in population databases (gnomAD no frequency). This variant has not been reported in the literature in individuals affected with BTD-related conditions.

Literature cited by the submitters: PubMed 19757147 (cited by Labcorp Genetics (formerly Invitae), Labcorp); PubMed 26361991 (cited by Labcorp Genetics (formerly Invitae), Labcorp); PubMed 26589311 (cited by Labcorp Genetics (formerly Invitae), Labcorp).